The following is an entry in ClinVar:

NM_032043.3(BRIP1):c.2218C>A (p.Gln740Lys)

Gene: BRIP1 (BRCA1 interacting DNA helicase 1; minus strand). Cytogenetic location: 17q23.2.
Variant type: single nucleotide variant.
Coding change: c.2218C>A on transcript NM_032043.3 (MANE Select); coding-DNA position 2218, C replaced by A.
Protein change: p.Gln740Lys; replaces glutamine 740 with lysine.
Molecular consequence: missense variant.
Genome position (GRCh38, 1-based): chr17:61,744,471, G>T on the plus strand (C>A on the coding strand, the complement: BRIP1 is on the minus strand). VCF-style: chr17-61744471-G-T. GRCh37 (hg19) VCF-style: chr17-59821832-G-T.
Other names: short protein forms Q740K.
Identifiers: ClinVar variation 4783577 (VCV004783577.1).

ClinVar aggregate classification (germline): Uncertain significance (1 of 4 stars; one submission).

Conditions:
Fanconi anemia complementation group J. Also called: BRIP1-Related Fanconi Anemia. Identifiers: Orphanet 84, MedGen C1836860, MONDO:0012187, OMIM 609054.
Familial cancer of breast. Also called: Hereditary breast cancer; hereditary breast carcinoma; BREAST CANCER, FAMILIAL. Identifiers: Orphanet 227535, MedGen C0346153, MONDO:0016419, OMIM 114480. Disease mechanism: loss of function.

Submission:

Labcorp Genetics (formerly Invitae), Labcorp
Classification: Uncertain significance for Familial cancer of breast; Fanconi anemia complementation group J. Last evaluated: 2025-11-05. Review status: criteria provided, single submitter. Criteria: Invitae Variant Classification Sherloc (09022015). Collection method: clinical testing. Allele origin: germline.
Comment: This sequence change replaces glutamine, which is neutral and polar, with lysine, which is basic and polar, at codon 740 of the BRIP1 protein (p.Gln740Lys). This variant is not present in population databases (gnomAD no frequency). This variant has not been reported in the literature in individuals affected with BRIP1-related conditions. Invitae Evidence Modeling of protein sequence and biophysical properties (such as structural, functional, and spatial information, amino acid conservation, physicochemical variation, residue mobility, and thermodynamic stability) indicates that this missense variant is not expected to disrupt BRIP1 protein function with a negative predictive value of 95%. In summary, the available evidence is currently insufficient to determine the role of this variant in disease. Therefore, it has been classified as a Variant of Uncertain Significance.